The following is an entry in ClinVar:

NM_182931.3(KMT2E):c.3719C>T (p.Ala1240Val)

Gene: KMT2E (lysine methyltransferase 2E (inactive); plus strand). Cytogenetic location: 7q22.3.
Variant type: single nucleotide variant.
Coding change: c.3719C>T on transcript NM_182931.3 (MANE Select); coding-DNA position 3719, C replaced by T.
Protein change: p.Ala1240Val; replaces alanine 1240 with valine.
Molecular consequence: missense variant.
Genome position (GRCh38, 1-based): chr7:105,109,192, C>T. VCF-style: chr7-105109192-C-T. GRCh37 (hg19) VCF-style: chr7-104749639-C-T.
Other names: c.3719C>T, p.Ala1240Val (NM_018682.4); short protein forms A1240V.
Identifiers: ClinVar variation 1334738 (VCV001334738.4), dbSNP rs1219590013, ClinGen allele CA368790477.

ClinVar aggregate classification (germline): Uncertain significance (1 of 4 stars; one submission).

Allele frequency attached by ClinVar (database versions not stated): gnomAD exomes below 0.00001; TOPMed 0.00001.
gnomAD v4.1: 1 of 1,614,008 alleles (0.000062%); highest among the groups gnomAD compares: South Asian, 0.0011%; no homozygotes.

Submission:

Greenwood Genetic Center Diagnostic Laboratories, Greenwood Genetic Center
Classification: Uncertain significance. Last evaluated: 2021-04-26. Review status: criteria provided, single submitter. Criteria: ACMG Guidelines, 2015. Collection method: clinical testing. Allele origin: germline. Affected: yes.
Comment: BP4, PM2